The following is an entry in ClinVar:

ClinVar aggregate classification (germline): Pathogenic (1 of 4 stars; one submission).

Submission:

Labcorp Genetics (formerly Invitae), Labcorp
Classification: Pathogenic. Last evaluated: 2022-08-30. Review status: criteria provided, single submitter. Criteria: Invitae Variant Classification Sherloc (09022015). Collection method: clinical testing. Allele origin: germline.
Comment: This sequence change creates a premature translational stop signal (p.Lys246Argfs*43) in the SMARCD2 gene. It is expected to result in an absent or disrupted protein product. Loss-of-function variants in SMARCD2 are known to be pathogenic (PMID: 28369036). This variant is present in population databases (rs763321913, gnomAD 0.0009%). This variant has not been reported in the literature in individuals affected with SMARCD2-related conditions. For these reasons, this variant has been classified as Pathogenic.

Literature cited by the submitters: PubMed 28369036.

NM_001098426.2(SMARCD2):c.737del (p.Lys246fs)

Gene: SMARCD2 (SWI/SNF related BAF chromatin remodeling complex subunit D2; minus strand). Cytogenetic location: 17q23.3.
Variant type: Deletion.
Coding change: c.737del on transcript NM_001098426.2 (MANE Select); coding-DNA position 737, one base deleted (A; older notation c.737delA).
Protein change: p.Lys246fs; shifts the reading frame from lysine 246.
Molecular consequence: frameshift variant.
Genome position (GRCh38, 1-based): chr17:63,834,787, T deleted on the plus strand (A on the coding strand, the reverse complement: SMARCD2 is on the minus strand); the first of 2 consecutive T bases (chr17:63,834,787-63,834,788); deleting either gives the same sequence. VCF-style (leftmost placement, unchanged base first): chr17-63834786-CT-C. GRCh37 (hg19) VCF-style: chr17-61912146-CT-C.
Other names: c.512del, p.Lys171fs (NM_001330439.1); c.593del, p.Lys198fs (NM_001330440.2); short protein forms K171fs, K198fs, K246fs.
Identifiers: ClinVar variation 1947736 (VCV001947736.5), dbSNP rs763321913, ClinGen allele CA8706403.